The following is an entry in ClinVar:

NM_001430.5(EPAS1):c.2166G>A (p.Leu722=)

Gene: EPAS1 (endothelial PAS domain protein 1; plus strand). Cytogenetic location: 2p21.
Variant type: single nucleotide variant.
Coding change: c.2166G>A on transcript NM_001430.5 (MANE Select); coding-DNA position 2166, G replaced by A.
Protein change: p.Leu722=; no amino-acid change (leucine 722 retained).
Molecular consequence: synonymous variant.
Genome position (GRCh38, 1-based): chr2:46,381,716, G>A. VCF-style: chr2-46381716-G-A. GRCh37 (hg19) VCF-style: chr2-46608855-G-A.
Identifiers: ClinVar variation 895931 (VCV000895931.11), dbSNP rs147304489, ClinGen allele CA1645232.

ClinVar aggregate classification (germline): Benign/Likely benign. Review status: criteria provided, multiple submitters, no conflicts (2 of 4 stars). 5 submissions from 5 submitters: Benign (4); Likely benign (1). Last evaluated 2025-11-26.

Conditions:
Inborn genetic diseases. Identifiers: MedGen C0950123, MeSH D030342.
Erythrocytosis, familial, 4 (ECYT4). Identifiers: Orphanet 247511, MedGen C2673187, MONDO:0012729, OMIM 611783.

Allele frequency attached by ClinVar (database versions not stated): TOPMed 0.00364; 1000 Genomes Project 30x 0.00578; ESP Exome Variant Server 0.00284; 1000 Genomes Project 0.00499.
gnomAD v4.1: 1,334 of 1,613,846 alleles (0.083%); highest among the groups gnomAD compares: African/African-American, 1.1%; 9 homozygotes.

Submissions (5):

Labcorp Genetics (formerly Invitae), Labcorp
Classification: Benign. Last evaluated: 2025-11-26. Review status: criteria provided, single submitter. Criteria: Invitae Variant Classification Sherloc (09022015). Collection method: clinical testing. Allele origin: germline.

ARUP Laboratories, Molecular Genetics and Genomics, ARUP Laboratories
Classification: Benign for Erythrocytosis, familial, 4. Last evaluated: 2024-06-17. Review status: criteria provided, single submitter. Criteria: ARUP Molecular Germline Variant Investigation Process 2024. Collection method: clinical testing. Allele origin: germline.

Ambry Genetics
Classification: Likely benign for Inborn genetic diseases. Last evaluated: 2022-02-12. Review status: criteria provided, single submitter. Criteria: Ambry Variant Classification Scheme 2023. Collection method: clinical testing. Allele origin: germline.

Illumina Laboratory Services, Illumina
Classification: Benign for Erythrocytosis, familial, 4. Last evaluated: 2018-01-13. Review status: criteria provided, single submitter. Criteria: ICSL Variant Classification Criteria 13 December 2019. Collection method: clinical testing. Allele origin: germline.
Comment: This variant was observed in the ICSL laboratory as part of a predisposition screen in an ostensibly healthy population. It had not been previously curated by ICSL or reported in the Human Gene Mutation Database (HGMD: prior to June 1st, 2018), and was therefore a candidate for classification through an automated scoring system. Utilizing variant allele frequency, disease prevalence and penetrance estimates, and inheritance mode, an automated score was calculated to assess if this variant is too frequent to cause the disease. Based on the score and internal cut-off values, a variant classified as benign is not then subjected to further curation. The score for this variant resulted in a classification of benign for this disease.

Breakthrough Genomics
Classification: Benign. Review status: criteria provided, single submitter. Criteria: ACMG Guidelines, 2015. Collection method: not provided. Allele origin: germline. Inheritance: Autosomal dominant inheritance. Affected: yes.